The following is an entry in ClinVar:

NC_000009.12:g.(?_95101700)_(95508367_?)del

Genes: AOPEP (aminopeptidase O (putative); plus strand), FANCC (FA complementation group C; minus strand), PTCH1 (patched 1; minus strand), LOC105376156 (uncharacterized LOC105376156; minus strand), LOC100507346 (uncharacterized LOC100507346; plus strand) and 18 more. Cytogenetic location: 9q22.32.
Variant type: Deletion.
Identifiers: ClinVar variation 456067 (VCV000456067.5).

ClinVar aggregate classification (germline): Pathogenic. Review status: criteria provided, single submitter (1 of 4 stars). 2 submissions from 1 submitter: Pathogenic (2). Last evaluated 2021-09-16.

Conditions:
Fanconi anemia (FA). Also called: Fanconi's anemia. Identifiers: Orphanet 84, MedGen C0015625, MeSH D005199, MONDO:0019391.
Gorlin syndrome. Also called: Basal cell nevus syndrome; Nevoid Basal Cell Carcinoma Syndrome. Identifiers: Orphanet 377, MedGen C0004779, MONDO:0007187.

Submissions (2):

Labcorp Genetics (formerly Invitae), Labcorp
Classification: Pathogenic for Gorlin syndrome. Last evaluated: 2021-09-16. Review status: criteria provided, single submitter. Criteria: Invitae Variant Classification Sherloc (09022015). Collection method: clinical testing. Allele origin: germline.

Labcorp Genetics (formerly Invitae), Labcorp
Classification: Pathogenic for Fanconi anemia. Last evaluated: 2017-05-09. Review status: criteria provided, single submitter. Criteria: Invitae Variant Classification Sherloc (09022015). Collection method: clinical testing. Allele origin: germline.
Comment: A gross deletion of the genomic region encompassing the full coding sequence of the FANCC gene has been identified. The boundaries of this event are unknown as the deletion extends beyond the assayed region for this gene and therefore may encompass additional genes. While this particular variant has not been reported in the literature, loss-of-function variants in FANCC are known to be pathogenic (PMID: 17924555). For these reasons, this variant has been classified as Pathogenic.

Literature cited by the submitters: PubMed 17924555.